The following is an entry in ClinVar:

NM_001288705.3(CSF1R):c.1760C>T (p.Thr587Ile)

Gene: CSF1R (colony stimulating factor 1 receptor; minus strand). Cytogenetic location: 5q32.
Variant type: single nucleotide variant.
Coding change: c.1760C>T on transcript NM_001288705.3 (MANE Select); coding-DNA position 1760, C replaced by T.
Protein change: p.Thr587Ile; replaces threonine 587 with isoleucine.
Molecular consequence: missense variant. On other transcripts: non-coding transcript variant (2).
Genome position (GRCh38, 1-based): chr5:150,061,589, G>A on the plus strand (C>T on the coding strand, the complement: CSF1R is on the minus strand). VCF-style: chr5-150061589-G-A. GRCh37 (hg19) VCF-style: chr5-149441152-G-A.
Other names: p.Thr587Ile; c.1760C>T, p.Thr587Ile (NM_001349736.2, NM_001375320.1, NM_005211.4); c.1316C>T, p.Thr439Ile (NM_001375321.1); short protein forms T439I, T587I.
Identifiers: ClinVar variation 746902 (VCV000746902.12), dbSNP rs146386843, ClinGen allele CA3506695.

ClinVar aggregate classification (germline): Conflicting classifications of pathogenicity. Review status: criteria provided, conflicting classifications (1 of 4 stars). 3 submissions from 3 submitters: Uncertain significance (1); Likely benign (2). Last evaluated 2026-01-25.

Allele frequency attached by ClinVar (database versions not stated): gnomAD exomes 0.00031; ExAC 0.00035; 1000 Genomes Project 30x 0.00047; 1000 Genomes Project 0.00060; gnomAD 0.00105 and 0.00116; TOPMed 0.00130; ESP Exome Variant Server 0.00169.
gnomAD v4.1: 345 of 1,614,114 alleles (0.021%); highest among the groups gnomAD compares: African/African-American, 0.43%; 3 homozygotes.

Submissions (3):

Labcorp Genetics (formerly Invitae), Labcorp
Classification: Likely benign. Last evaluated: 2026-01-25. Review status: criteria provided, single submitter. Criteria: Invitae Variant Classification Sherloc (09022015). Collection method: clinical testing. Allele origin: germline.

Mayo Clinic Laboratories, Mayo Clinic
Classification: Likely benign. Last evaluated: 2025-10-07. Review status: criteria provided, single submitter. Criteria: ACMG Guidelines, 2015. Collection method: clinical testing. Allele origin: germline. Observed: 2 variant alleles.
Comment: BS1, BP4

Blueprint Genetics
Classification: Uncertain significance. Last evaluated: 2024-08-30. Review status: criteria provided, single submitter. Criteria: ACMG Guidelines, 2015. Collection method: clinical testing. Allele origin: germline.